The following is an entry in ClinVar:

NM_006080.3(SEMA3A):c.1653-4del

Gene: SEMA3A (semaphorin 3A; minus strand). Cytogenetic location: 7q21.11.
Variant type: Deletion.
Coding change: c.1653-4del on transcript NM_006080.3 (MANE Select); 4 bases into the intron before coding-DNA position 1653, one base deleted (T; older notation c.1653-4delT).
Molecular consequence: intron variant.
Genome position (GRCh38, 1-based): chr7:83,977,200, A deleted on the plus strand (T on the coding strand, the reverse complement: SEMA3A is on the minus strand); the first of 2 consecutive A bases (chr7:83,977,200-83,977,201); deleting either gives the same sequence. VCF-style (leftmost placement, unchanged base first): chr7-83977199-GA-G. GRCh37 (hg19) VCF-style: chr7-83606515-GA-G.
Identifiers: ClinVar variation 4987201 (VCV004987201.1).

ClinVar aggregate classification (germline): Likely benign (1 of 4 stars; one submission).

Conditions:
SEMA3A-related disorder. Also called: SEMA3A-related condition.

Submission:

PreventionGenetics, part of Exact Sciences
Classification: Likely benign for SEMA3A-related condition. Last evaluated: 2026-07-30. Review status: criteria provided, single submitter. Criteria: ACMG Guidelines, 2015. Collection method: clinical testing. Allele origin: germline.
Comment: This variant is classified as likely benign based on ACMG/AMP sequence variant interpretation guidelines (Richards et al. 2015 PMID: 25741868, with internal and published modifications).